The following is an entry in ClinVar:

NM_020964.3(EPG5):c.4329+3G>A

Gene: EPG5 (ectopic P-granules 5 autophagy tethering factor; minus strand). Cytogenetic location: 18q21.1.
Variant type: single nucleotide variant.
Coding change: c.4329+3G>A on transcript NM_020964.3 (MANE Select); 3 bases into the intron after coding-DNA position 4329, G replaced by A.
Molecular consequence: intron variant.
Genome position (GRCh38, 1-based): chr18:45,907,955, C>T on the plus strand (G>A on the coding strand, the complement: EPG5 is on the minus strand). VCF-style: chr18-45907955-C-T. GRCh37 (hg19) VCF-style: chr18-43487920-C-T.
Identifiers: ClinVar variation 2047982 (VCV002047982.2), dbSNP rs888738053, ClinGen allele CA299757994.
Genomic context (GRCh38, chr18:45,907,955, plus strand): 5'-CAGTTCAAATTACATTCAGATATGCTAAAAAAAAAAAAAAAAAAAGGAGGGCTATAATTT[C>T]ACCTGCTGATTCTGCATCACTTTTGCTAGCCTGTGAATATCATAATGCTTTGGTAGAGAA-3'

ClinVar aggregate classification (germline): Conflicting classifications of pathogenicity. Review status: criteria provided, conflicting classifications (1 of 4 stars). 2 submissions from 2 submitters: Uncertain significance (1); Likely benign (1). Last evaluated 2024-11-27.

Conditions:
Vici syndrome (VICIS). Identifiers: Orphanet 1493, MedGen C1855772, MONDO:0009452, OMIM 242840.

Allele frequency attached by ClinVar (database versions not stated): gnomAD exomes below 0.00001; TOPMed below 0.00001; gnomAD 0.00001.
gnomAD v4.1: 4 of 1,535,386 alleles (0.00026%); highest among the groups gnomAD compares: Admixed American, 0.0046%; no homozygotes.

Submissions (2):

Blueprint Genetics
Classification: Likely benign. Last evaluated: 2024-11-27. Review status: criteria provided, single submitter. Criteria: ACMG Guidelines, 2015. Collection method: clinical testing. Allele origin: germline.

Labcorp Genetics (formerly Invitae), Labcorp
Classification: Uncertain significance for Vici syndrome. Last evaluated: 2022-08-21. Review status: criteria provided, single submitter. Criteria: Invitae Variant Classification Sherloc (09022015). Collection method: clinical testing. Allele origin: germline.
Comment: This sequence change falls in intron 24 of the EPG5 gene. It does not directly change the encoded amino acid sequence of the EPG5 protein. It affects a nucleotide within the consensus splice site. This variant is not present in population databases (gnomAD no frequency). This variant has not been reported in the literature in individuals affected with EPG5-related conditions. Variants that disrupt the consensus splice site are a relatively common cause of aberrant splicing (PMID: 17576681, 9536098). Algorithms developed to predict the effect of sequence changes on RNA splicing suggest that this variant may create or strengthen a splice site. In summary, the available evidence is currently insufficient to determine the role of this variant in disease. Therefore, it has been classified as a Variant of Uncertain Significance.

Literature cited by the submitters: PubMed 17576681 (cited by Labcorp Genetics (formerly Invitae), Labcorp); PubMed 9536098 (cited by Labcorp Genetics (formerly Invitae), Labcorp).